The following is an entry in ClinVar:

ClinVar aggregate classification (germline): Uncertain significance. Review status: criteria provided, multiple submitters, no conflicts (2 of 4 stars). 2 submissions from 2 submitters: Uncertain significance (2). Last evaluated 2025-11-17.

Conditions:
Hereditary cancer-predisposing syndrome. Also called: Neoplastic Syndromes, Hereditary; Tumor predisposition; Hereditary Cancer Syndrome; Hereditary neoplastic syndrome. Identifiers: Orphanet 140162, MedGen C0027672, MeSH D009386, MONDO:0015356.

Allele frequency attached by ClinVar (database versions not stated): TOPMed below 0.00001; ExAC 0.00001; gnomAD exomes 0.00001.
gnomAD v4.1: 11 of 1,614,024 alleles (0.00068%); highest among the groups gnomAD compares: Non-Finnish European, 0.00093%; no homozygotes.

Submissions (2):

Labcorp Genetics (formerly Invitae), Labcorp
Classification: Uncertain significance for Hereditary cancer-predisposing syndrome. Last evaluated: 2025-11-17. Review status: criteria provided, single submitter. Criteria: Invitae Variant Classification Sherloc (09022015). Collection method: clinical testing. Allele origin: germline.
Comment: This sequence change replaces valine, which is neutral and non-polar, with leucine, which is neutral and non-polar, at codon 1117 of the RAD50 protein (p.Val1117Leu). This variant is present in population databases (rs759071832, gnomAD 0.002%). This variant has not been reported in the literature in individuals affected with RAD50-related conditions. ClinVar contains an entry for this variant (Variation ID: 230973). Invitae Evidence Modeling of protein sequence and biophysical properties (such as structural, functional, and spatial information, amino acid conservation, physicochemical variation, residue mobility, and thermodynamic stability) indicates that this missense variant is not expected to disrupt RAD50 protein function with a negative predictive value of 80%. In summary, the available evidence is currently insufficient to determine the role of this variant in disease. Therefore, it has been classified as a Variant of Uncertain Significance.

Ambry Genetics
Classification: Uncertain significance for Hereditary cancer-predisposing syndrome. Last evaluated: 2024-09-09. Review status: criteria provided, single submitter. Criteria: Ambry Variant Classification Scheme 2023. Collection method: clinical testing. Allele origin: germline.
Comment: The p.V1117L variant (also known as c.3349G>T), located in coding exon 21 of the RAD50 gene, results from a G to T substitution at nucleotide position 3349. The valine at codon 1117 is replaced by leucine, an amino acid with highly similar properties. This amino acid position is well conserved in available vertebrate species. In addition, this alteration is predicted to be tolerated by in silico analysis. Since supporting evidence is limited at this time, the clinical significance of this alteration remains unclear.

NM_005732.4(RAD50):c.3349G>T (p.Val1117Leu)

Gene: RAD50 (RAD50 double strand break repair protein; plus strand). Cytogenetic location: 5q31.1.
Variant type: single nucleotide variant.
Coding change: c.3349G>T on transcript NM_005732.4 (MANE Select); coding-DNA position 3349, G replaced by T.
Protein change: p.Val1117Leu; replaces valine 1117 with leucine.
Molecular consequence: missense variant.
Genome position (GRCh38, 1-based): chr5:132,618,254, G>T. VCF-style: chr5-132618254-G-T. GRCh37 (hg19) VCF-style: chr5-131953946-G-T.
Other names: short protein forms V1117L.
Identifiers: ClinVar variation 230973 (VCV000230973.14), dbSNP rs759071832, ClinGen allele CA3405558.